The following is an entry in ClinVar:

NM_031844.3(HNRNPU):c.1508T>C (p.Ile503Thr)

Gene: HNRNPU (heterogeneous nuclear ribonucleoprotein U; minus strand). Cytogenetic location: 1q44.
Variant type: single nucleotide variant.
Coding change: c.1508T>C on transcript NM_031844.3 (MANE Select); coding-DNA position 1508, T replaced by C.
Protein change: p.Ile503Thr; replaces isoleucine 503 with threonine.
Molecular consequence: missense variant.
Genome position (GRCh38, 1-based): chr1:244,857,704, A>G on the plus strand (T>C on the coding strand, the complement: HNRNPU is on the minus strand). VCF-style: chr1-244857704-A-G. GRCh37 (hg19) VCF-style: chr1-245021006-A-G.
Other names: c.1451T>C, p.Ile484Thr (NM_004501.3); short protein forms I503T, I484T.
Identifiers: ClinVar variation 4709705 (VCV004709705.1).

ClinVar aggregate classification (germline): Uncertain significance (1 of 4 stars; one submission).

Conditions:
Developmental and epileptic encephalopathy, 54. Also called: HNRNPU-Related Neurodevelopmental Disorder; Epileptic encephalopathy, early infantile, 54. Identifiers: MedGen C4479319, MONDO:0033363, OMIM 617391.

Submission:

Labcorp Genetics (formerly Invitae), Labcorp
Classification: Uncertain significance for Developmental and epileptic encephalopathy, 54. Last evaluated: 2025-11-12. Review status: criteria provided, single submitter. Criteria: Invitae Variant Classification Sherloc (09022015). Collection method: clinical testing. Allele origin: germline.
Comment: This sequence change replaces isoleucine, which is neutral and non-polar, with threonine, which is neutral and polar, at codon 503 of the HNRNPU protein (p.Ile503Thr). This variant is not present in population databases (gnomAD no frequency). This variant has not been reported in the literature in individuals affected with HNRNPU-related conditions. Invitae Evidence Modeling of protein sequence and biophysical properties (such as structural, functional, and spatial information, amino acid conservation, physicochemical variation, residue mobility, and thermodynamic stability) has been performed for this missense variant. However, the output from this modeling did not meet the statistical confidence thresholds required to predict the impact of this variant on HNRNPU protein function. In summary, the available evidence is currently insufficient to determine the role of this variant in disease. Therefore, it has been classified as a Variant of Uncertain Significance.